The following is an entry in ClinVar:

ClinVar aggregate classification (germline): Pathogenic (1 of 4 stars; one submission).

Conditions:
Familial cancer of breast. Also called: Hereditary breast cancer; BREAST CANCER, FAMILIAL; hereditary breast carcinoma. Identifiers: Orphanet 227535, MedGen C0346153, MONDO:0016419, OMIM 114480. Disease mechanism: loss of function.

Submission:

Labcorp Genetics (formerly Invitae), Labcorp
Classification: Pathogenic for Familial cancer of breast. Last evaluated: 2025-10-11. Review status: criteria provided, single submitter. Criteria: Invitae Variant Classification Sherloc (09022015). Collection method: clinical testing. Allele origin: germline.
Comment: This sequence change creates a premature translational stop signal (p.Met383Valfs*3) in the BARD1 gene. It is expected to result in an absent or disrupted protein product. Loss-of-function variants in BARD1 are known to be pathogenic (PMID: 20077502, 21344236). This variant is not present in population databases (gnomAD no frequency). This variant has not been reported in the literature in individuals affected with BARD1-related conditions. ClinVar contains an entry for this variant (Variation ID: 2767853). For these reasons, this variant has been classified as Pathogenic.

Literature cited by the submitters: PubMed 20077502; PubMed 21344236.

NM_000465.4(BARD1):c.1147_1148del (p.Met383fs)

Gene: BARD1 (BRCA1 associated RING domain 1; minus strand). Cytogenetic location: 2q35.
Variant type: Deletion.
Coding change: c.1147_1148del on transcript NM_000465.4 (MANE Select); coding-DNA positions 1147 to 1148, 2 bases deleted (AT; older notation c.1147_1148delAT).
Protein change: p.Met383fs; shifts the reading frame from methionine 383.
Molecular consequence: frameshift variant. On other transcripts: non-coding transcript variant (2), intron variant (3).
Genome position (GRCh38, 1-based): chr2:214,780,726-214,780,727, AT deleted on the plus strand (AT on the coding strand, the reverse complement: BARD1 is on the minus strand). VCF-style (leftmost placement, unchanged base first): chr2-214780725-CAT-C. GRCh37 (hg19) VCF-style: chr2-215645449-CAT-C.
Other names: c.1090_1091del, p.Met364fs (NM_001282543.2); c.159-28172_159-28171del (NM_001282548.2); c.215+16334_215+16335del (NM_001282545.2); c.364+11570_364+11571del (NM_001282549.2); short protein forms M383fs, M364fs.
Identifiers: ClinVar variation 2767853 (VCV002767853.3), dbSNP rs2469503075, ClinGen allele CA2697550338.